The following is an entry in ClinVar:

NM_001329943.3(KIAA0586):c.4435C>T (p.Pro1479Ser)

Gene: KIAA0586 (KIAA0586; plus strand). Cytogenetic location: 14q23.1.
Variant type: single nucleotide variant.
Coding change: c.4435C>T on transcript NM_001329943.3 (MANE Select); coding-DNA position 4435, C replaced by T.
Protein change: p.Pro1479Ser; replaces proline 1479 with serine.
Molecular consequence: missense variant. On other transcripts: intron variant (2).
Genome position (GRCh38, 1-based): chr14:58,540,076, C>T. VCF-style: chr14-58540076-C-T. GRCh37 (hg19) VCF-style: chr14-59006794-C-T.
Other names: c.4594C>T, p.Pro1532Ser (NM_001244189.2); c.4390C>T, p.Pro1464Ser (NM_001244190.2); c.4180C>T, p.Pro1394Ser (NM_001244191.2, NM_001364701.2); c.4303C>T, p.Pro1435Ser (NM_001244192.2, NM_001329947.2); c.4435C>T, p.Pro1479Ser (NM_001329944.2); c.4207C>T, p.Pro1403Ser (NM_014749.5); c.4430-7705C>T (NM_001329946.2); c.4175-7705C>T (NM_001329945.2); short protein forms P1403S, P1394S, P1435S, P1464S, P1479S, P1532S.
Identifiers: ClinVar variation 1968015 (VCV001968015.5), dbSNP rs779653057, ClinGen allele CA7206399.

ClinVar aggregate classification (germline): Uncertain significance (1 of 4 stars; one submission).

Conditions:
Joubert syndrome 23 (JBTS23). Identifiers: Orphanet 475, MedGen C4084822, MONDO:0014664, OMIM 616490.
Short-rib thoracic dysplasia 14 with polydactyly (SRTD14). Identifiers: Orphanet 397715, MedGen C4225286, MONDO:0014688, OMIM 616546.

Allele frequency attached by ClinVar (database versions not stated): gnomAD 0.00001.
gnomAD v4.1: 3 of 1,543,400 alleles (0.00019%); highest among the groups gnomAD compares: Middle Eastern, 0.033%; no homozygotes.

Submission:

Labcorp Genetics (formerly Invitae), Labcorp
Classification: Uncertain significance for Joubert syndrome 23; Short-rib thoracic dysplasia 14 with polydactyly. Last evaluated: 2022-06-21. Review status: criteria provided, single submitter. Criteria: Invitae Variant Classification Sherloc (09022015). Collection method: clinical testing. Allele origin: germline.
Comment: The frequency data for this variant in the population databases is considered unreliable, as metrics indicate poor data quality at this position in the gnomAD database. This sequence change replaces proline, which is neutral and non-polar, with serine, which is neutral and polar, at codon 1532 of the KIAA0586 protein (p.Pro1532Ser). This variant has not been reported in the literature in individuals affected with KIAA0586-related conditions. In summary, the available evidence is currently insufficient to determine the role of this variant in disease. Therefore, it has been classified as a Variant of Uncertain Significance. Algorithms developed to predict the effect of missense changes on protein structure and function output the following: SIFT: "Tolerated"; PolyPhen-2: "Benign"; Align-GVGD: "Class C0". The serine amino acid residue is found in multiple mammalian species, which suggests that this missense change does not adversely affect protein function.